The following is an entry in ClinVar:

ClinVar aggregate classification (germline): Uncertain significance. Review status: criteria provided, multiple submitters, no conflicts (2 of 4 stars). 2 submissions from 2 submitters: Uncertain significance (2). Last evaluated 2024-10-24.

Conditions:
Inborn genetic diseases. Identifiers: MedGen C0950123, MeSH D030342.
Acrocallosal syndrome (ACLS). Also called: HALLUX DUPLICATION, POSTAXIAL POLYDACTYLY, AND ABSENCE OF CORPUS CALLOSUM; Schinzel syndrome 1; Absence of corpus callosum with unusual facial appearance, mental deficiency, duplication of the halluces and polydactyly. Identifiers: Orphanet 36, MedGen C0796147, MONDO:0008708, OMIM 200990.

Allele frequency attached by ClinVar (database versions not stated): gnomAD exomes below 0.00001 and 0.00001; TOPMed below 0.00001; ExAC 0.00001; gnomAD 0.00001.

Submissions (2):

Labcorp Genetics (formerly Invitae), Labcorp
Classification: Uncertain significance for Acrocallosal syndrome. Last evaluated: 2024-10-24. Review status: criteria provided, single submitter. Criteria: Invitae Variant Classification Sherloc (09022015). Collection method: clinical testing. Allele origin: germline.
Comment: This sequence change replaces arginine, which is basic and polar, with tryptophan, which is neutral and slightly polar, at codon 1189 of the KIF7 protein (p.Arg1189Trp). This variant is present in population databases (rs765317455, gnomAD 0.003%). This variant has not been reported in the literature in individuals affected with KIF7-related conditions. ClinVar contains an entry for this variant (Variation ID: 1461904). Invitae Evidence Modeling of protein sequence and biophysical properties (such as structural, functional, and spatial information, amino acid conservation, physicochemical variation, residue mobility, and thermodynamic stability) indicates that this missense variant is not expected to disrupt KIF7 protein function with a negative predictive value of 80%. In summary, the available evidence is currently insufficient to determine the role of this variant in disease. Therefore, it has been classified as a Variant of Uncertain Significance.

Ambry Genetics
Classification: Uncertain significance for Inborn genetic diseases. Last evaluated: 2022-06-03. Review status: criteria provided, single submitter. Criteria: Ambry Variant Classification Scheme 2023. Collection method: clinical testing. Allele origin: germline.

NM_198525.3(KIF7):c.3565C>T (p.Arg1189Trp)

Genes: KIF7 (kinesin family member 7; minus strand), LOC126862216 (BRD4-independent group 4 enhancer GRCh37_chr15:90171995-90173194; plus strand). Cytogenetic location: 15q26.1.
Variant type: single nucleotide variant.
Coding change: c.3565C>T on transcript NM_198525.3 (MANE Select); coding-DNA position 3565, C replaced by T.
Protein change: p.Arg1189Trp; replaces arginine 1189 with tryptophan.
Molecular consequence: missense variant.
Genome position (GRCh38, 1-based): chr15:89,629,075, G>A on the plus strand (C>T on the coding strand, the complement: KIF7 is on the minus strand). VCF-style: chr15-89629075-G-A. GRCh37 (hg19) VCF-style: chr15-90172306-G-A.
Other names: c.3565C>T (NM_198525.2); short protein forms R1189W.
Identifiers: ClinVar variation 1461904 (VCV001461904.7), dbSNP rs765317455, ClinGen allele CA7727633.